The following is an entry in ClinVar:

NM_000165.5(GJA1):c.605G>A (p.Arg202His)

Gene: GJA1 (gap junction protein alpha 1; plus strand). Cytogenetic location: 6q22.31.
Variant type: single nucleotide variant.
Coding change: c.605G>A on transcript NM_000165.5 (MANE Select); coding-DNA position 605, G replaced by A.
Protein change: p.Arg202His; replaces arginine 202 with histidine.
Molecular consequence: missense variant.
Genome position (GRCh38, 1-based): chr6:121,447,452, G>A. VCF-style: chr6-121447452-G-A. GRCh37 (hg19) VCF-style: chr6-121768598-G-A.
Other names: short protein forms R202H.
Identifiers: ClinVar variation 372744 (VCV000372744.25), dbSNP rs750294638, ClinGen allele CA3981712.

ClinVar aggregate classification (germline): Conflicting classifications of pathogenicity. Review status: criteria provided, conflicting classifications (1 of 4 stars). 7 submissions from 7 submitters: Pathogenic (4); Uncertain significance (1). 2 of the submissions do not count toward it. Last evaluated 2026-01-18.

Conditions:
GJA1-related disorders.
Oculodentodigital dysplasia (ODDD). Also called: ODD SYNDROME; Oculodentodigital syndrome. Identifiers: Orphanet 2710, MedGen C0812437, MONDO:0008111, OMIM 164200.
Oculodentodigital dysplasia, autosomal recessive. Also called: OCULODENTOOSSEOUS DYSPLASIA, AUTOSOMAL RECESSIVE; ODDD, AUTOSOMAL RECESSIVE; ODOD, AUTOSOMAL RECESSIVE. Identifiers: Orphanet 2710, MedGen C2749477, MONDO:0009768, OMIM 257850.

Allele frequency attached by ClinVar (database versions not stated): gnomAD exomes below 0.00001; ExAC 0.00001.

Submissions (7):

Labcorp Genetics (formerly Invitae), Labcorp
Classification: Uncertain significance for Oculodentodigital dysplasia, autosomal recessive. Last evaluated: 2026-01-18. Review status: criteria provided, single submitter. Criteria: Invitae Variant Classification Sherloc (09022015). Collection method: clinical testing. Allele origin: germline.
Comment: This sequence change replaces arginine, which is basic and polar, with histidine, which is basic and polar, at codon 202 of the GJA1 protein (p.Arg202His). This variant is not present in population databases (gnomAD no frequency). This missense change has been observed in individual(s) with clinical features of oculodentodigital dysplasia (PMID: 12457340, 18946008; internal data). ClinVar contains an entry for this variant (Variation ID: 372744). Invitae Evidence Modeling of protein sequence and biophysical properties (such as structural, functional, and spatial information, amino acid conservation, physicochemical variation, residue mobility, and thermodynamic stability) indicates that this missense variant is expected to disrupt GJA1 protein function with a positive predictive value of 95%. Experimental studies have shown that this missense change affects GJA1 function (PMID: 15879313, 16531323). In summary, the available evidence is currently insufficient to determine the role of this variant in disease. Therefore, it has been classified as a Variant of Uncertain Significance.

Laboratory of Genetics, Children's Clinical University Hospital Latvia
Classification: Pathogenic. Last evaluated: 2025-02-16. Review status: criteria provided, single submitter. Criteria: ACMG Guidelines, 2015. Collection method: clinical testing. Allele origin: germline. Affected: yes.

GeneDx
Classification: Pathogenic. Last evaluated: 2024-10-24. Review status: criteria provided, single submitter. Criteria: GeneDx Variant Classification Process June 2021. Collection method: clinical testing. Allele origin: germline. Affected: yes.
Comment: Published functional studies demonstrate a damaging effect (PMID: 15879313); In silico analysis supports that this missense variant has a deleterious effect on protein structure/function; Not observed at significant frequency in large population cohorts (gnomAD); This variant is associated with the following publications: (PMID: 14729836, 15637728, 24434540, 16531323, 12457340, 18946008, 19338053, 24133447, 16891658, 18831677, 30638447, 33584802, 34630166, 32318302, 15879313)

Duke University Health System Sequencing Clinic, Duke University Health System
Classification: Pathogenic for Oculodentodigital dysplasia. Last evaluated: 2023-04-20. Review status: criteria provided, single submitter. Criteria: ACMG Guidelines, 2015. Collection method: research. Allele origin: de novo. Affected: yes.

Blueprint Genetics
Classification: Pathogenic for GJA1-related disorders. Last evaluated: 2019-09-30. Review status: criteria provided, single submitter. Criteria: ACMG Guidelines, 2015. Collection method: clinical testing. Allele origin: germline. Affected: yes. Observed: 3 variant alleles.

Diagnostic Laboratory, Department of Genetics, University Medical Center Groningen
Classification: Pathogenic. Review status: no assertion criteria provided. Collection method: clinical testing. Allele origin: germline. Affected: yes. Study: VKGL Data-share Consensus. Not counted in ClinVar's aggregate classification.

Joint Genome Diagnostic Labs from Nijmegen and Maastricht, Radboudumc and MUMC+
Classification: Pathogenic. Review status: no assertion criteria provided. Collection method: clinical testing. Allele origin: germline. Affected: yes. Study: VKGL Data-share Consensus. Not counted in ClinVar's aggregate classification.

Literature cited by the submitters: PubMed 12457340 (cited by Labcorp Genetics (formerly Invitae), Labcorp); PubMed 18946008 (cited by Labcorp Genetics (formerly Invitae), Labcorp); PubMed 15879313 (cited by Labcorp Genetics (formerly Invitae), Labcorp); PubMed 16531323 (cited by Labcorp Genetics (formerly Invitae), Labcorp).